The following is an entry in ClinVar:

NM_032119.4(ADGRV1):c.7586A>G (p.Asp2529Gly)

Gene: ADGRV1 (adhesion G protein-coupled receptor V1; plus strand). Cytogenetic location: 5q14.3.
Variant type: single nucleotide variant.
Coding change: c.7586A>G on transcript NM_032119.4 (MANE Select); coding-DNA position 7586, A replaced by G.
Protein change: p.Asp2529Gly; replaces aspartic acid 2529 with glycine.
Molecular consequence: missense variant. On other transcripts: non-coding transcript variant (1).
Genome position (GRCh38, 1-based): chr5:90,694,342, A>G. VCF-style: chr5-90694342-A-G. GRCh37 (hg19) VCF-style: chr5-89990159-A-G.
Other names: short protein forms D2529G.
Identifiers: ClinVar variation 2970826 (VCV002970826.3), dbSNP rs1746890833, ClinGen allele CA360379593.

ClinVar aggregate classification (germline): Uncertain significance (1 of 4 stars; one submission).

Allele frequency attached by ClinVar (database versions not stated): gnomAD exomes below 0.00001; gnomAD 0.00001.

Submission:

Labcorp Genetics (formerly Invitae), Labcorp
Classification: Uncertain significance. Last evaluated: 2023-09-17. Review status: criteria provided, single submitter. Criteria: Invitae Variant Classification Sherloc (09022015). Collection method: clinical testing. Allele origin: germline.
Comment: This sequence change replaces aspartic acid, which is acidic and polar, with glycine, which is neutral and non-polar, at codon 2529 of the ADGRV1 protein (p.Asp2529Gly). This variant is not present in population databases (gnomAD no frequency). This variant has not been reported in the literature in individuals affected with ADGRV1-related conditions. Advanced modeling of protein sequence and biophysical properties (such as structural, functional, and spatial information, amino acid conservation, physicochemical variation, residue mobility, and thermodynamic stability) performed at Invitae indicates that this missense variant is not expected to disrupt ADGRV1 protein function. In summary, the available evidence is currently insufficient to determine the role of this variant in disease. Therefore, it has been classified as a Variant of Uncertain Significance.